The following is an entry in ClinVar:

NM_018896.5(CACNA1G):c.6579G>A (p.Pro2193=)

Gene: CACNA1G (calcium voltage-gated channel subunit alpha1 G; plus strand). Cytogenetic location: 17q21.33.
Variant type: single nucleotide variant.
Coding change: c.6579G>A on transcript NM_018896.5 (MANE Select); coding-DNA position 6579, G replaced by A.
Protein change: p.Pro2193=; no amino-acid change (proline 2193 retained).
Molecular consequence: synonymous variant. On other transcripts: non-coding transcript variant (5), intron variant (3).
Genome position (GRCh38, 1-based): chr17:50,626,196, G>A. VCF-style: chr17-50626196-G-A. GRCh37 (hg19) VCF-style: chr17-48703557-G-A.
Other names: c.6390G>A, p.Pro2130= (NM_001256324.2); c.6321G>A, p.Pro2107= (NM_001256325.2); c.6309G>A, p.Pro2103= (NM_001256326.2); c.6279G>A, p.Pro2093= (NM_001256327.2); c.6225G>A, p.Pro2075= (NM_001256328.2); c.6198G>A, p.Pro2066= (NM_001256329.2, NM_198387.3); c.6165G>A, p.Pro2055= (NM_001256330.2); c.6144G>A, p.Pro2048= (NM_001256331.2); and 18 more.
Identifiers: ClinVar variation 727561 (VCV000727561.32), dbSNP rs57667003, ClinGen allele CA8653687.

ClinVar aggregate classification (germline): Benign/Likely benign. Review status: criteria provided, multiple submitters, no conflicts (2 of 4 stars). 3 submissions from 3 submitters: Benign (1); Likely benign (2). Last evaluated 2025-12-18.

Allele frequency attached by ClinVar (database versions not stated): ESP Exome Variant Server 0.00040; TOPMed 0.00081; 1000 Genomes Project 30x 0.00094; 1000 Genomes Project 0.00120.
gnomAD v4.1: 354 of 1,613,864 alleles (0.022%); highest among the groups gnomAD compares: African/African-American, 0.32%; 6 homozygotes.

Submissions (3):

Labcorp Genetics (formerly Invitae), Labcorp
Classification: Benign. Last evaluated: 2025-12-18. Review status: criteria provided, single submitter. Criteria: Invitae Variant Classification Sherloc (09022015). Collection method: clinical testing. Allele origin: germline.

Blueprint Genetics
Classification: Likely benign. Last evaluated: 2023-12-01. Review status: criteria provided, single submitter. Criteria: ACMG Guidelines, 2015. Collection method: clinical testing. Allele origin: germline.

CeGaT Center for Human Genetics Tuebingen
Classification: Likely benign. Last evaluated: 2023-02-01. Review status: criteria provided, single submitter. Criteria: CeGaT Center For Human Genetics Tuebingen Variant Classification Criteria Version 2. Collection method: clinical testing. Allele origin: germline. Affected: yes. Observed: 1 variant allele.
Comment: CACNA1G: BP4, BP7, BS1